The following is an entry in ClinVar:

NM_003126.4(SPTA1):c.3494G>A (p.Trp1165Ter)

Gene: SPTA1 (spectrin alpha, erythrocytic 1; minus strand). Cytogenetic location: 1q23.1.
Variant type: single nucleotide variant.
Coding change: c.3494G>A on transcript NM_003126.4 (MANE Select); coding-DNA position 3494, G replaced by A.
Protein change: p.Trp1165Ter; replaces tryptophan 1165 with a stop codon.
Molecular consequence: nonsense.
Genome position (GRCh38, 1-based): chr1:158,649,931, C>T on the plus strand (G>A on the coding strand, the complement: SPTA1 is on the minus strand). VCF-style: chr1-158649931-C-T. GRCh37 (hg19) VCF-style: chr1-158619721-C-T.
Other names: p.Trp1165*; short protein forms W1165*.
Identifiers: ClinVar variation 2683215 (VCV002683215.1), dbSNP rs2525092495, ClinGen allele CA343036023.

ClinVar aggregate classification (germline): Likely pathogenic (1 of 4 stars; one submission).

Allele frequency attached by ClinVar (database versions not stated): gnomAD exomes below 0.00001.
gnomAD v4.1: 1 of 1,613,532 alleles (0.000062%); highest among the groups gnomAD compares: Non-Finnish European, 0.000085%; no homozygotes.

Submission:

Mayo Clinic Laboratories, Mayo Clinic
Classification: Likely pathogenic. Last evaluated: 2023-06-08. Review status: criteria provided, single submitter. Criteria: ACMG Guidelines, 2015. Collection method: clinical testing. Allele origin: germline. Observed: 1 variant allele.
Comment: PM2, PVS1